The following is an entry in ClinVar:

ClinVar aggregate classification (germline): Benign/Likely benign. Review status: criteria provided, multiple submitters, no conflicts (2 of 4 stars). 3 submissions from 3 submitters: Benign (1); Likely benign (2). Last evaluated 2024-11-06.

Conditions:
Papillary renal cell carcinoma type 1 (RCCP1). Also called: RENAL CELL CARCINOMA, PAPILLARY, 1, SOMATIC; Renal adenocarcinoma; Renal cell carcinoma 1; Renal cell carcinoma, somatic. Identifiers: Orphanet 47044, MedGen C1336839, OMIM 605074, HP:0011797.
Hereditary cancer-predisposing syndrome. Also called: Tumor predisposition; Neoplastic Syndromes, Hereditary; Hereditary Cancer Syndrome; Hereditary neoplastic syndrome. Identifiers: Orphanet 140162, MedGen C0027672, MeSH D009386, MONDO:0015356.
Renal cell carcinoma. Identifiers: Orphanet 217071, MedGen C0007134, MeSH D002292, MONDO:0005086, HP:0005584.

Allele frequency attached by ClinVar (database versions not stated): TOPMed below 0.00001.

Submissions (3):

Myriad Genetics, Inc.
Classification: Benign for Papillary renal cell carcinoma type 1. Last evaluated: 2024-11-06. Review status: criteria provided, single submitter. Criteria: Myriad Autosomal Dominant, Autosomal Recessive and X-Linked Classification Criteria (2023). Collection method: clinical testing. Allele origin: unknown.
Comment: This variant is considered benign. This variant is a silent/synonymous amino acid change and it is not expected to impact splicing.

Labcorp Genetics (formerly Invitae), Labcorp
Classification: Likely benign for Renal cell carcinoma. Last evaluated: 2020-10-18. Review status: criteria provided, single submitter. Criteria: Invitae Variant Classification Sherloc (09022015). Collection method: clinical testing. Allele origin: germline.

Ambry Genetics
Classification: Likely benign for Hereditary cancer-predisposing syndrome. Last evaluated: 2020-08-13. Review status: criteria provided, single submitter. Criteria: Ambry Variant Classification Scheme 2023. Collection method: clinical testing. Allele origin: germline.

NM_000245.4(MET):c.564A>T (p.Val188=)

Gene: MET (MET proto-oncogene, receptor tyrosine kinase; plus strand). Cytogenetic location: 7q31.2.
Variant type: single nucleotide variant.
Coding change: c.564A>T on transcript NM_000245.4 (MANE Select); coding-DNA position 564, A replaced by T.
Protein change: p.Val188=; no amino-acid change (valine 188 retained).
Molecular consequence: synonymous variant. On other transcripts: intron variant (1).
Genome position (GRCh38, 1-based): chr7:116,699,648, A>T. VCF-style: chr7-116699648-A-T. GRCh37 (hg19) VCF-style: chr7-116339702-A-T.
Other names: c.564A>T, p.Val188= (NM_001127500.3, NM_001324401.3); c.-91+27071A>T (NM_001324402.2).
Identifiers: ClinVar variation 1100370 (VCV001100370.12), dbSNP rs1791489742, ClinGen allele CA457447772.